The following is an entry in ClinVar:

NM_015164.4(PLEKHM2):c.2282C>T (p.Thr761Met)

Gene: PLEKHM2 (pleckstrin homology and RUN domain containing M2; plus strand). Cytogenetic location: 1p36.21.
Variant type: single nucleotide variant.
Coding change: c.2282C>T on transcript NM_015164.4 (MANE Select); coding-DNA position 2282, C replaced by T.
Protein change: p.Thr761Met; replaces threonine 761 with methionine.
Molecular consequence: missense variant.
Genome position (GRCh38, 1-based): chr1:15,730,605, C>T. VCF-style: chr1-15730605-C-T. GRCh37 (hg19) VCF-style: chr1-16057100-C-T.
Other names: short protein forms T761M.
Identifiers: ClinVar variation 478082 (VCV000478082.11), dbSNP rs570032250, ClinGen allele CA18267701.

ClinVar aggregate classification (germline): Uncertain significance. Review status: criteria provided, multiple submitters, no conflicts (2 of 4 stars). 2 submissions from 2 submitters: Uncertain significance (2). Last evaluated 2025-07-08.

Allele frequency attached by ClinVar (database versions not stated): gnomAD exomes 0.00001.
gnomAD v4.1: 22 of 1,606,206 alleles (0.0014%); highest among the groups gnomAD compares: Middle Eastern, 0.033%; no homozygotes.

Submissions (2):

Labcorp Genetics (formerly Invitae), Labcorp
Classification: Uncertain significance. Last evaluated: 2025-07-08. Review status: criteria provided, single submitter. Criteria: Invitae Variant Classification Sherloc (09022015). Collection method: clinical testing. Allele origin: germline.
Comment: This sequence change replaces threonine, which is neutral and polar, with methionine, which is neutral and non-polar, at codon 761 of the PLEKHM2 protein (p.Thr761Met). The frequency data for this variant in the population databases is considered unreliable, as metrics indicate poor data quality at this position in the gnomAD database. This variant has not been reported in the literature in individuals affected with PLEKHM2-related conditions. ClinVar contains an entry for this variant (Variation ID: 478082). An algorithm developed to predict the effect of missense changes on protein structure and function outputs the following: PolyPhen-2: "Benign". The methionine amino acid residue is found in multiple mammalian species, which suggests that this missense change does not adversely affect protein function. In summary, the available evidence is currently insufficient to determine the role of this variant in disease. Therefore, it has been classified as a Variant of Uncertain Significance.

Ambry Genetics
Classification: Uncertain significance. Last evaluated: 2024-02-02. Review status: criteria provided, single submitter. Criteria: Ambry Variant Classification Scheme 2023. Collection method: clinical testing. Allele origin: germline.